The following is an entry in ClinVar:

NM_023036.6(DNAI2):c.1348-16C>T

Gene: DNAI2 (dynein axonemal intermediate chain 2; plus strand). Cytogenetic location: 17q25.1.
Variant type: single nucleotide variant.
Coding change: c.1348-16C>T on transcript NM_023036.6 (MANE Select); 16 bases into the intron before coding-DNA position 1348, C replaced by T.
Molecular consequence: intron variant.
Genome position (GRCh38, 1-based): chr17:74,310,001, C>T. VCF-style: chr17-74310001-C-T. GRCh37 (hg19) VCF-style: chr17-72306140-C-T.
Other names: c.1348-16C>T (NM_001353167.2, NM_023036.4); c.1348-52C>T (NM_001172810.3).
Identifiers: ClinVar variation 2074712 (VCV002074712.6), dbSNP rs113190193, ClinGen allele CA293863505.
Genomic context (GRCh38, chr17:74,310,001, plus strand): 5'-CCAGGGGCCAGTTAATCAGACACACATAACTTTGCTCCTCTCTCCTCTACCTGGGTCTGC[C>T]CGGCCCCTTCAATAGGTGTGTGACGAGGCCCTCTTCTGCCTCCGGGTGCAGGACAATGGG-3'

ClinVar aggregate classification (germline): Likely benign. Review status: criteria provided, single submitter (1 of 4 stars). 2 submissions from 2 submitters: Likely benign (1). 1 of the submissions does not count toward it. Last evaluated 2025-09-09.

Conditions:
DNAI2-related disorder. Also called: DNAI2-related condition.
Primary ciliary dyskinesia. Also called: Ciliary dyskinesia. Identifiers: Orphanet 244, MedGen C0008780, MONDO:0016575, HP:0012265.

Allele frequency attached by ClinVar (database versions not stated): gnomAD 0.00001; gnomAD exomes 0.00001; TOPMed 0.00002.
gnomAD v4.1: 32 of 1,613,696 alleles (0.002%); highest among the groups gnomAD compares: African/African-American, 0.021%; no homozygotes.

Submissions (2):

Labcorp Genetics (formerly Invitae), Labcorp
Classification: Likely benign for Primary ciliary dyskinesia. Last evaluated: 2025-09-09. Review status: criteria provided, single submitter. Criteria: Invitae Variant Classification Sherloc (09022015). Collection method: clinical testing. Allele origin: germline.

PreventionGenetics, part of Exact Sciences
Classification: Likely benign for DNAI2-related condition. Last evaluated: 2019-04-26. Review status: no assertion criteria provided. Collection method: clinical testing. Allele origin: germline. Not counted in ClinVar's aggregate classification.
Comment: This variant is classified as likely benign based on ACMG/AMP sequence variant interpretation guidelines (Richards et al. 2015 PMID: 25741868, with internal and published modifications).